The following is an entry in ClinVar:

NM_004928.3(CFAP410):c.702C>T (p.Ala234=)

Gene: CFAP410 (cilia and flagella associated protein 410; minus strand). Cytogenetic location: 21q22.3.
Variant type: single nucleotide variant.
Coding change: c.702C>T on transcript NM_004928.3 (MANE Select); coding-DNA position 702, C replaced by T.
Protein change: p.Ala234=; no amino-acid change (alanine 234 retained).
Molecular consequence: synonymous variant.
Genome position (GRCh38, 1-based): chr21:44,330,267, G>A on the plus strand (C>T on the coding strand, the complement: CFAP410 is on the minus strand). VCF-style: chr21-44330267-G-A. GRCh37 (hg19) VCF-style: chr21-45750150-G-A.
Other names: c.702C>T (NM_004928.2); c.699C>T, p.Ala233= (NM_001271440.2); c.1059C>T, p.Ala353= (NM_001271441.2); c.576C>T, p.Ala192= (NM_001271442.1).
Identifiers: ClinVar variation 1900430 (VCV001900430.7), dbSNP rs552686031, ClinGen allele CA10053482.

ClinVar aggregate classification (germline): Likely benign. Review status: criteria provided, single submitter (1 of 4 stars). 2 submissions from 2 submitters: Likely benign (1). 1 of the submissions does not count toward it. Last evaluated 2025-01-01.

Conditions:
CFAP410-related disorder. Also called: CFAP410-related condition.

Allele frequency attached by ClinVar (database versions not stated): TOPMed below 0.00001; gnomAD 0.00001; ExAC 0.00003; 1000 Genomes Project 30x 0.00016; 1000 Genomes Project 0.00020.
gnomAD v4.1: 5 of 1,605,052 alleles (0.00031%); highest among the groups gnomAD compares: African/African-American, 0.0027%; no homozygotes.

Submissions (2):

Labcorp Genetics (formerly Invitae), Labcorp
Classification: Likely benign. Last evaluated: 2025-01-01. Review status: criteria provided, single submitter. Criteria: Invitae Variant Classification Sherloc (09022015). Collection method: clinical testing. Allele origin: germline.

PreventionGenetics, part of Exact Sciences
Classification: Likely benign for CFAP410-related condition. Last evaluated: 2020-07-30. Review status: no assertion criteria provided. Collection method: clinical testing. Allele origin: germline. Not counted in ClinVar's aggregate classification.
Comment: This variant is classified as likely benign based on ACMG/AMP sequence variant interpretation guidelines (Richards et al. 2015 PMID: 25741868, with internal and published modifications).